The following is an entry in ClinVar:

ClinVar aggregate classification (germline): Uncertain significance (1 of 4 stars; one submission).

Conditions:
Infantile-onset ascending hereditary spastic paralysis (IAHSP). Also called: Autosomal Recessive Juvenile Amyotrophic Lateral Sclerosis; Infantile-Onset Ascending Hereditary Spastic Paralysis (IAHSP). Identifiers: Orphanet 293168, MedGen C2931441, MONDO:0011797, OMIM 607225. Disease mechanism: loss of function.

Allele frequency attached by ClinVar (database versions not stated): gnomAD exomes 0.00001.
gnomAD v4.1: 12 of 1,613,812 alleles (0.00074%); highest among the groups gnomAD compares: Non-Finnish European, 0.001%; no homozygotes.

Submission:

Labcorp Genetics (formerly Invitae), Labcorp
Classification: Uncertain significance for Infantile-onset ascending hereditary spastic paralysis. Last evaluated: 2024-10-26. Review status: criteria provided, single submitter. Criteria: Invitae Variant Classification Sherloc (09022015). Collection method: clinical testing. Allele origin: germline.
Comment: This sequence change replaces glycine, which is neutral and non-polar, with serine, which is neutral and polar, at codon 1384 of the ALS2 protein (p.Gly1384Ser). This variant is not present in population databases (gnomAD no frequency). This variant has not been reported in the literature in individuals affected with ALS2-related conditions. ClinVar contains an entry for this variant (Variation ID: 2047346). Invitae Evidence Modeling of protein sequence and biophysical properties (such as structural, functional, and spatial information, amino acid conservation, physicochemical variation, residue mobility, and thermodynamic stability) indicates that this missense variant is expected to disrupt ALS2 protein function with a positive predictive value of 80%. In summary, the available evidence is currently insufficient to determine the role of this variant in disease. Therefore, it has been classified as a Variant of Uncertain Significance.

NM_020919.4(ALS2):c.4150G>A (p.Gly1384Ser)

Gene: ALS2 (alsin Rho guanine nucleotide exchange factor ALS2; minus strand). Cytogenetic location: 2q33.1.
Variant type: single nucleotide variant.
Coding change: c.4150G>A on transcript NM_020919.4 (MANE Select); coding-DNA position 4150, G replaced by A.
Protein change: p.Gly1384Ser; replaces glycine 1384 with serine.
Molecular consequence: missense variant.
Genome position (GRCh38, 1-based): chr2:201,710,011, C>T on the plus strand (G>A on the coding strand, the complement: ALS2 is on the minus strand). VCF-style: chr2-201710011-C-T. GRCh37 (hg19) VCF-style: chr2-202574734-C-T.
Other names: c.4147G>A, p.Gly1383Ser (NM_001410975.1); short protein forms G1384S, G1383S.
Identifiers: ClinVar variation 2047346 (VCV002047346.4), dbSNP rs2469702098, ClinGen allele CA350323594.
Genomic context (GRCh38, chr2:201,710,011, plus strand): 5'-TGGCTCCTACGCCCACGTATGTCATTCTATACACTGCAACCAGTGTCTCCACAAGCCTGC[C>T]CAGGGGGTGCAGAGGAGTGTCACAGGCCTGAGTAGGAAAAGAATCAATGAAGTCAGTTGA-3'
Protein context (NP_065970.2, residues 1374-1394): KACDTPLHPL[Gly1384Ser]RLVETLVAVY